The following is an entry in ClinVar:

NM_213655.5(WNK1):c.2461A>G (p.Thr821Ala)

Gene: WNK1 (WNK lysine deficient protein kinase 1; plus strand). Cytogenetic location: 12p13.33.
Variant type: single nucleotide variant.
Coding change: c.2461A>G on transcript NM_213655.5 (MANE Plus Clinical); coding-DNA position 2461, A replaced by G.
Protein change: p.Thr821Ala; replaces threonine 821 with alanine.
Molecular consequence: missense variant. On other transcripts: intron variant (2).
Genome position (GRCh38, 1-based): chr12:867,932, A>G. VCF-style: chr12-867932-A-G. GRCh37 (hg19) VCF-style: chr12-977098-A-G.
Other names: c.2206A>G, p.Thr736Ala (NM_001184985.2); c.2140-3333A>G (NM_018979.4, NM_014823.3); short protein forms T736A, T821A.
Identifiers: ClinVar variation 971466 (VCV000971466.11), dbSNP rs766552593, ClinGen allele CA6382178.

ClinVar aggregate classification (germline): Uncertain significance. Review status: criteria provided, multiple submitters, no conflicts (2 of 4 stars). 2 submissions from 2 submitters: Uncertain significance (2). Last evaluated 2022-06-22.

Conditions:
Neuropathy, hereditary sensory and autonomic, type 2A (HSAN2A). Also called: ACROOSTEOLYSIS, GIACCAI TYPE; ACROOSTEOLYSIS, NEUROGENIC; WNK1-Related HSAN2 (HSAN2A); HSAN IIA; MORVAN DISEASE; NEUROPATHY, CONGENITAL SENSORY. Identifiers: Orphanet 970, MedGen C2752089, MONDO:0024309, OMIM 201300.
Pseudohypoaldosteronism type 2C (PHA2C). Also called: Pseudohypoaldosteronism Type IIC. Identifiers: Orphanet 757, Orphanet 88940, MedGen C1840391, MONDO:0013778, OMIM 614492.
Inborn genetic diseases. Identifiers: MedGen C0950123, MeSH D030342.

Allele frequency attached by ClinVar (database versions not stated): gnomAD exomes 0.00003 and 0.00002; gnomAD 0.00001; ExAC 0.00002; TOPMed 0.00002.
gnomAD v4.1: 35 of 1,613,832 alleles (0.0022%); highest among the groups gnomAD compares: African/African-American, 0.0027%; no homozygotes.

Submissions (3):

Labcorp Genetics (formerly Invitae), Labcorp
Classification: Uncertain significance for Neuropathy, hereditary sensory and autonomic, type 2A; Pseudohypoaldosteronism type 2C. Last evaluated: 2022-06-22. Review status: criteria provided, single submitter. Criteria: Invitae Variant Classification Sherloc (09022015). Collection method: clinical testing. Allele origin: germline.
Comment: In summary, the available evidence is currently insufficient to determine the role of this variant in disease. Therefore, it has been classified as a Variant of Uncertain Significance. Algorithms developed to predict the effect of sequence changes on RNA splicing suggest that this variant may create or strengthen a splice site. Advanced modeling of protein sequence and biophysical properties (such as structural, functional, and spatial information, amino acid conservation, physicochemical variation, residue mobility, and thermodynamic stability) performed at Invitae indicates that this missense variant is not expected to disrupt WNK1 protein function. ClinVar contains an entry for this variant (Variation ID: 971466). This variant has not been reported in the literature in individuals affected with WNK1-related conditions. This variant is present in population databases (rs766552593, gnomAD 0.05%). This sequence change replaces threonine, which is neutral and polar, with alanine, which is neutral and non-polar, at codon 821 of the WNK1 protein (p.Thr821Ala).

Ambry Genetics
Classification: Uncertain significance for Inborn genetic diseases. Last evaluated: 2021-02-02. Review status: criteria provided, single submitter. Criteria: Ambry Variant Classification Scheme 2023. Collection method: clinical testing. Allele origin: germline.
Comment: The p.T821A variant (also known as c.2461A>G), located in coding exon 10 of the WNK1 gene, results from an A to G substitution at nucleotide position 2461. The threonine at codon 821 is replaced by alanine, an amino acid with similar properties. This amino acid position is well conserved in available vertebrate species. In addition, this alteration is predicted to be tolerated by in silico analysis. Since supporting evidence is limited at this time, the clinical significance of this alteration remains unclear.

Dr. Peter K. Rogan Lab, Western University
No classification provided (evidence only). Condition: Sarcoma. Review status: no classification provided. Collection method: in vitro. Allele origin: not applicable. Functional consequence: skipped exon, retained intron. Not counted in ClinVar's aggregate classification.